The following is an entry in ClinVar:

ClinVar aggregate classification (germline): Conflicting classifications of pathogenicity. Review status: criteria provided, conflicting classifications (1 of 4 stars). 3 submissions from 3 submitters: Likely pathogenic (2); Uncertain significance (1). Last evaluated 2025-02-18.

Conditions:
Primary ciliary dyskinesia. Also called: Ciliary dyskinesia. Identifiers: Orphanet 244, MedGen C0008780, MONDO:0016575, HP:0012265.
Primary ciliary dyskinesia 7. Also called: CILIARY DYSKINESIA, PRIMARY, 7, WITH OR WITHOUT SITUS INVERSUS. Identifiers: Orphanet 244, MedGen C2678473, MONDO:0012748, OMIM 611884.

Allele frequency attached by ClinVar (database versions not stated): gnomAD exomes below 0.00001; TOPMed 0.00001.
gnomAD v4.1: 1 of 1,609,054 alleles (0.000062%); highest among the groups gnomAD compares: African/African-American, 0.0013%; no homozygotes.

Submissions (3):

Broad Center for Mendelian Genomics, Broad Institute of MIT and Harvard
Classification: Uncertain significance for Primary ciliary dyskinesia 7. Last evaluated: 2025-02-18. Review status: criteria provided, single submitter. Criteria: ACMG Guidelines, 2015. Collection method: curation. Allele origin: germline. Inheritance: Autosomal recessive inheritance.
Comment: The c.7812-2A>G variant in DNAH11 has not been previously reported in the literature in individuals with primary ciliary dyskinesia, but has been identified in 0.001% (1/74824) of African/African American chromosomes by the Genome Aggregation Database (gnomAD; dbSNP ID: rs1166463469). Although this variant has been seen in the general population in a heterozygous state, its frequency is low enough to be consistent with a recessive carrier frequency. This variant has also been reported in ClinVar (Variation ID: 1760815) and has been interpreted as likely pathogenic by Invitae and Ambry Genetics. This variant is located in the 5' splice region. Computational tools predict a splicing impact, though this information is not predictive enough to determine pathogenicity. There is an in-frame cryptic splice site 9 bases from the intron-exon boundary, providing evidence that this variant may delete 3 amino acids instead of causing loss of function. However, this information is not predictive enough to determine pathogenicity. Loss of function of the DNAH11 gene is an established disease mechanism in autosomal recessive primary ciliary dyskinesia. In summary, the clinical significance of the c.7812-2A>G variant is uncertain. ACMG/AMP Criteria applied: PVS1_moderate, PM2_supporting (Richards 2015).

Labcorp Genetics (formerly Invitae), Labcorp
Classification: Likely pathogenic for Primary ciliary dyskinesia. Last evaluated: 2023-11-01. Review status: criteria provided, single submitter. Criteria: Invitae Variant Classification Sherloc (09022015). Collection method: clinical testing. Allele origin: germline.
Comment: This sequence change affects an acceptor splice site in intron 47 of the DNAH11 gene. It is expected to disrupt RNA splicing. Variants that disrupt the donor or acceptor splice site typically lead to a loss of protein function (PMID: 16199547), and loss-of-function variants in DNAH11 are known to be pathogenic (PMID: 18022865, 20513915, 22184204). This variant is not present in population databases (gnomAD no frequency). This variant has not been reported in the literature in individuals affected with DNAH11-related conditions. ClinVar contains an entry for this variant (Variation ID: 1760815). Algorithms developed to predict the effect of sequence changes on RNA splicing suggest that this variant may disrupt the consensus splice site. In summary, the currently available evidence indicates that the variant is pathogenic, but additional data are needed to prove that conclusively. Therefore, this variant has been classified as Likely Pathogenic.

Ambry Genetics
Classification: Likely pathogenic for Primary ciliary dyskinesia. Last evaluated: 2015-03-23. Review status: criteria provided, single submitter. Criteria: Ambry Variant Classification Scheme 2023. Collection method: clinical testing. Allele origin: germline.
Comment: The c.7833-2A>G intronic pathogenic mutation results from an A to G substitution two nucleotides upstream from coding exon 48 in the DNAH11 gene. This variant was not reported in population based cohorts in the following databases: Database of Single Nucleotide Polymorphisms (dbSNP), NHLBI Exome Sequencing Project (ESP), and 1000 Genomes Project. This nucleotide position is highly conserved in available vertebrate species. Using the BDGP and ESEfinder splice site prediction tools, this alteration is predicted to abolish the native splice acceptor site; however, direct evidence is unavailable. Alterations that disrupt the canonical splice acceptor site are typically deleterious in nature (ACMG Recommendations for Standards for Interpretation and Reporting of Sequence Variations. Revision 2007. Genet Med. 2008;10:294). As such, the c.7833-2A>G variant is classified as likely pathogenic.

Literature cited by the submitters: PubMed 16199547 (cited by Labcorp Genetics (formerly Invitae), Labcorp); PubMed 18022865 (cited by Labcorp Genetics (formerly Invitae), Labcorp); PubMed 20513915 (cited by Labcorp Genetics (formerly Invitae), Labcorp); PubMed 22184204 (cited by Labcorp Genetics (formerly Invitae), Labcorp).

NM_001277115.2(DNAH11):c.7812-2A>G

Gene: DNAH11 (dynein axonemal heavy chain 11; plus strand). Cytogenetic location: 7p15.3.
Variant type: single nucleotide variant.
Coding change: c.7812-2A>G on transcript NM_001277115.2 (MANE Select); the canonical splice acceptor site of the intron before coding-DNA position 7812, A replaced by G.
Molecular consequence: splice acceptor variant.
Genome position (GRCh38, 1-based): chr7:21,739,569, A>G. VCF-style: chr7-21739569-A-G. GRCh37 (hg19) VCF-style: chr7-21779187-A-G.
Other names: c.7833-2A>G (NM_003777.3).
Identifiers: ClinVar variation 1760815 (VCV001760815.6), dbSNP rs1166463469, ClinGen allele CA366950755.
Genomic context (GRCh38, chr7:21,739,569, plus strand): 5'-TAGATTTTGCTCTTTTGTCATCTCCAGTTTTTGGATTTAAGGTTCTGTTTTCTGTCTTTC[A>G]GGTATGATAGACAGAAGGTGATGCTTAAAGAAATCCATAACTGCCAGTATGTCGCCTGCA-3'